The following is an entry in ClinVar:

ClinVar aggregate classification (germline): Uncertain significance (1 of 4 stars; one submission).

Conditions:
Breast-ovarian cancer, familial, susceptibility to, 4. Identifiers: Orphanet 145, MedGen C3280345, MONDO:0013669, OMIM 614291.

Submission:

Labcorp Genetics (formerly Invitae), Labcorp
Classification: Uncertain significance for Breast-ovarian cancer, familial, susceptibility to, 4. Last evaluated: 2019-11-26. Review status: criteria provided, single submitter. Criteria: Invitae Variant Classification Sherloc (09022015). Collection method: clinical testing. Allele origin: germline.
Comment: This variant has not been reported in the literature in individuals with RAD51D-related conditions. In summary, the available evidence is currently insufficient to determine the role of this variant in disease. Therefore, it has been classified as a Variant of Uncertain Significance. Algorithms developed to predict the effect of missense changes on protein structure and function (SIFT, PolyPhen-2, Align-GVGD) all suggest that this variant is likely to be tolerated, but these predictions have not been confirmed by published functional studies and their clinical significance is uncertain. This variant is not present in population databases (ExAC no frequency). This sequence change replaces aspartic acid with glutamic acid at codon 180 of the RAD51D protein (p.Asp180Glu). The aspartic acid residue is moderately conserved and there is a small physicochemical difference between aspartic acid and glutamic acid.

NM_002878.4(RAD51D):c.540T>G (p.Asp180Glu)

Genes: RAD51L3-RFFL (RAD51L3-RFFL readthrough; minus strand), RAD51D (RAD51 paralog D; minus strand). Cytogenetic location: 17q12.
Variant type: single nucleotide variant.
Coding change: c.540T>G on transcript NM_002878.4 (MANE Select); coding-DNA position 540, T replaced by G.
Protein change: p.Asp180Glu; replaces aspartic acid 180 with glutamic acid.
Molecular consequence: missense variant. On other transcripts: non-coding transcript variant (3).
Genome position (GRCh38, 1-based): chr17:35,106,422, A>C on the plus strand (T>G on the coding strand, the complement: RAD51D is on the minus strand). VCF-style: chr17-35106422-A-C. GRCh37 (hg19) VCF-style: chr17-33433441-A-C.
Other names: c.600T>G, p.Asp200Glu (NM_001142571.2); c.204T>G, p.Asp68Glu (NM_133629.3); short protein forms D180E, D200E, D68E.
Identifiers: ClinVar variation 836020 (VCV000836020.6), dbSNP rs2091603952, ClinGen allele CA399088707.